The following is an entry in ClinVar:

ClinVar aggregate classification (germline): Conflicting classifications of pathogenicity. Review status: criteria provided, conflicting classifications (1 of 4 stars). 2 submissions from 2 submitters: Uncertain significance (1); Likely benign (1). Last evaluated 2026-02-19.

Conditions:
PKD1-related disorder. Also called: PKD1-related condition.

gnomAD v4.1: 21 of 1,547,640 alleles (0.0014%); highest among the groups gnomAD compares: East Asian, 0.023%; no homozygotes.

Submissions (2):

PreventionGenetics, part of Exact Sciences
Classification: Uncertain significance for PKD1-related condition. Last evaluated: 2026-02-19. Review status: criteria provided, single submitter. Criteria: ACMG Guidelines, 2015. Collection method: clinical testing. Allele origin: germline.
Comment: The PKD1 c.11566C>T variant is predicted to result in the amino acid substitution p.Arg3856Cys. This variant has been reported as uncertain in an individual with polycystic kidney disease (Supplementary Table 2, Yu et al. 2022. PubMed ID: 35778421). This variant is reported in 0.040% of alleles in individuals of East Asian descent in gnomAD. Although we suspect that this variant may be benign, at this time, the clinical significance of this variant is uncertain due to the absence of conclusive functional and genetic evidence.

Blueprint Genetics
Classification: Likely benign. Last evaluated: 2024-09-16. Review status: criteria provided, single submitter. Criteria: ACMG Guidelines, 2015. Collection method: clinical testing. Allele origin: germline.

NM_001009944.3(PKD1):c.11566C>T (p.Arg3856Cys)

Genes: PKD1 (polycystin 1, transient receptor potential channel interacting; minus strand), PKD1-AS1 (PKD1 antisense RNA 1; plus strand). Cytogenetic location: 16p13.3.
Variant type: single nucleotide variant.
Coding change: c.11566C>T on transcript NM_001009944.3 (MANE Select); coding-DNA position 11566, C replaced by T.
Protein change: p.Arg3856Cys; replaces arginine 3856 with cysteine.
Molecular consequence: missense variant. On other transcripts: non-coding transcript variant (1).
Genome position (GRCh38, 1-based): chr16:2,091,569, G>A on the plus strand (C>T on the coding strand, the complement: PKD1 is on the minus strand). VCF-style: chr16-2091569-G-A. GRCh37 (hg19) VCF-style: chr16-2141570-G-A.
Other names: c.11563C>T, p.Arg3855Cys (NM_000296.4); short protein forms R3855C, R3856C.
Identifiers: ClinVar variation 4927542 (VCV004927542.2).